The following is an entry in ClinVar:

ClinVar aggregate classification (germline): Conflicting classifications of pathogenicity. Review status: criteria provided, conflicting classifications (1 of 4 stars). 2 submissions from 2 submitters: Pathogenic (1); Uncertain significance (1). Last evaluated 2025-04-17.

Conditions:
Amyloidosis, hereditary systemic 1 (AMYLD1). Also called: Familial amyloid polyneuropathy; Transthyretin Amyloidosis; AMYLOID CARDIOMYOPATHY; Isolated Cardiac Amyloidosis; Amyloid Cardiomyopathy, Transthyretin-related; Hereditary oculoleptomeningeal amyloid angiopathy. Identifiers: Orphanet 85447, Orphanet 85451, MedGen C2751492, MONDO:0971004, OMIM 105210.
Cardiovascular phenotype. Identifiers: MedGen CN230736.

Submissions (2):

Ambry Genetics
Classification: Uncertain significance for Cardiovascular phenotype. Last evaluated: 2025-04-17. Review status: criteria provided, single submitter. Criteria: Ambry Variant Classification Scheme 2023. Collection method: clinical testing. Allele origin: germline.
Comment: The p.L75M variant (also known as c.223C>A), located in coding exon 3 of the TTR gene, results from a C to A substitution at nucleotide position 223. The leucine at codon 75 is replaced by methionine, an amino acid with highly similar properties. This variant was reported in individual(s) with features consistent with transthyretin (TTR) amyloidosis and related cardiomyopathy (Ambry internal data). This amino acid position is not well conserved in available vertebrate species. In addition, the in silico prediction for this alteration is inconclusive. Based on the available evidence, the clinical significance of this variant remains unclear.

Labcorp Genetics (formerly Invitae), Labcorp
Classification: Pathogenic for Amyloidosis, hereditary systemic 1. Last evaluated: 2023-09-04. Review status: criteria provided, single submitter. Criteria: Invitae Variant Classification Sherloc (09022015). Collection method: clinical testing. Allele origin: germline.
Comment: This variant is not present in population databases (gnomAD no frequency). This sequence change replaces leucine, which is neutral and non-polar, with methionine, which is neutral and non-polar, at codon 75 of the TTR protein (p.Leu75Met). This missense change has been observed in individual(s) with clinical features of hereditary transthyretin-mediated amyloidosis (hATTR amyloidosis) (Invitae). ClinVar contains an entry for this variant (Variation ID: 842099). Advanced modeling of protein sequence and biophysical properties (such as structural, functional, and spatial information, amino acid conservation, physicochemical variation, residue mobility, and thermodynamic stability) performed at Invitae indicates that this missense variant is expected to disrupt TTR protein function. This variant disrupts the p.Leu75 amino acid residue in TTR. Other variant(s) that disrupt this residue have been determined to be pathogenic (PMID: 1351039, 12557757, 17503405, 21843040, 23713495, 26123280, 28272196). This suggests that this residue is clinically significant, and that variants that disrupt this residue are likely to be disease-causing. For these reasons, this variant has been classified as Pathogenic.

Literature cited by the submitters: PubMed 1351039 (cited by Labcorp Genetics (formerly Invitae), Labcorp); PubMed 12557757 (cited by Labcorp Genetics (formerly Invitae), Labcorp); PubMed 17503405 (cited by Labcorp Genetics (formerly Invitae), Labcorp); PubMed 21843040 (cited by Labcorp Genetics (formerly Invitae), Labcorp); PubMed 23713495 (cited by Labcorp Genetics (formerly Invitae), Labcorp); PubMed 26123280 (cited by Labcorp Genetics (formerly Invitae), Labcorp); PubMed 28272196 (cited by Labcorp Genetics (formerly Invitae), Labcorp).

NM_000371.4(TTR):c.223C>A (p.Leu75Met)

Gene: TTR (transthyretin; plus strand). Cytogenetic location: 18q12.1.
Variant type: single nucleotide variant.
Coding change: c.223C>A on transcript NM_000371.4 (MANE Select); coding-DNA position 223, C replaced by A.
Protein change: p.Leu75Met; replaces leucine 75 with methionine.
Molecular consequence: missense variant.
Genome position (GRCh38, 1-based): chr18:31,595,142, C>A. VCF-style: chr18-31595142-C-A. GRCh37 (hg19) VCF-style: chr18-29175105-C-A.
Other names: short protein forms L75M.
Identifiers: ClinVar variation 842099 (VCV000842099.10), dbSNP rs2073510448, ClinGen allele CA402156933.
Genomic context (GRCh38, chr18:31,595,142, plus strand): 5'-TCCATGCGTAACTTAATCCAGACTTTCACACCTTATAGGAAAACCAGTGAGTCTGGAGAG[C>A]TGCATGGGCTCACAACTGAGGAGGAATTTGTAGAAGGGATATACAAAGTGGAAATAGACA-3'
Protein context (NP_000362.1, residues 65-85): ASGKTSESGE[Leu75Met]HGLTTEEEFV